The following is an entry in ClinVar:

ClinVar aggregate classification (germline): Uncertain significance (1 of 4 stars; one submission).

Conditions:
Inborn genetic diseases. Identifiers: MedGen C0950123, MeSH D030342.

Submission:

Ambry Genetics
Classification: Uncertain significance for Inborn genetic diseases. Last evaluated: 2026-06-19. Review status: criteria provided, single submitter. Criteria: Ambry Variant Classification Scheme 2023. Collection method: clinical testing. Allele origin: germline.
Comment: The p.V1862G variant (also known as c.5585T>G), located in coding exon 21 of the FANCM gene, results from a T to G substitution at nucleotide position 5585. The valine at codon 1862 is replaced by glycine, an amino acid with dissimilar properties. This amino acid position is conserved. In addition, this alteration is predicted to be tolerated by in silico analysis. Based on the available evidence, the clinical significance of this variant remains unclear.

NM_020937.4(FANCM):c.5585T>G (p.Val1862Gly)

Gene: FANCM (FA complementation group M; plus strand). Cytogenetic location: 14q21.2.
Variant type: single nucleotide variant.
Coding change: c.5585T>G on transcript NM_020937.4 (MANE Select); coding-DNA position 5585, T replaced by G.
Protein change: p.Val1862Gly; replaces valine 1862 with glycine.
Molecular consequence: missense variant.
Genome position (GRCh38, 1-based): chr14:45,196,416, T>G. VCF-style: chr14-45196416-T-G. GRCh37 (hg19) VCF-style: chr14-45665619-T-G.
Other names: c.5507T>G, p.Val1836Gly (NM_001308133.2); short protein forms V1862G, V1836G.
Identifiers: ClinVar variation 5036565 (VCV005036565.1).